The following is an entry in ClinVar:

NM_003573.2(LTBP4):c.240G>A (p.Glu80=)

Gene: LTBP4 (latent transforming growth factor beta binding protein 4; plus strand). Cytogenetic location: 19q13.2.
Variant type: single nucleotide variant.
Coding change: c.240G>A on transcript NM_003573.2; coding-DNA position 240, G replaced by A.
Protein change: p.Glu80=; no amino-acid change (glutamic acid 80 retained).
Molecular consequence: synonymous variant.
Genome position (GRCh38, 1-based): chr19:40,600,077, G>A. VCF-style: chr19-40600077-G-A. GRCh37 (hg19) VCF-style: chr19-41105983-G-A.
Other names: c.351G>A, p.Glu117= (NM_001042544.1).
Identifiers: ClinVar variation 4872869 (VCV004872869.2).

ClinVar aggregate classification (germline): Likely benign (1 of 4 stars; one submission).

Submission:

CeGaT Center for Human Genetics Tuebingen
Classification: Likely benign. Last evaluated: 2026-04-01. Review status: criteria provided, single submitter. Criteria: CeGaT Center For Human Genetics Tuebingen Variant Classification Criteria Version 2. Collection method: clinical testing. Allele origin: germline. Affected: yes. Observed: 1 variant allele.
Comment: LTBP4: BP4, BP7